The following is an entry in ClinVar:

ClinVar aggregate classification (germline): Pathogenic (1 of 4 stars; one submission).

Conditions:
Marshall-Smith syndrome (MRSHSS). Identifiers: Orphanet 561, MedGen C0265211, MONDO:0011244, OMIM 602535.

Submission:

Rady Children's Institute for Genomic Medicine, Rady Children's Hospital San Diego
Classification: Pathogenic for MARSHALL-SMITH SYNDROME. Last evaluated: 2019-02-20. Review status: criteria provided, single submitter. Criteria: ACMG Guidelines, 2015. Collection method: clinical testing. Allele origin: germline. Affected: yes. Observed: 1 variant allele.
Comment: This frameshifting variant in exon 6 of 10 introduces a premature stop codon and is therefore predicted to result in loss of normal protein function. This variant has not been previously reported or functionally characterized in the literature to our knowledge. It is absent from the ExAC and gnomAD population databases and thus is presumed to be rare. Analysis of the parental samples was negative for the variant, indicating this variant likely occurred as a de novo event. Based on the available evidence, the c.933_943del p.Trp312CysfsTer139 variant is classified as pathogenic.

NM_001365902.3(NFIX):c.933_943del (p.Trp312fs)

Gene: NFIX (nuclear factor I X; plus strand). Cytogenetic location: 19p13.13.
Variant type: Deletion.
Coding change: c.933_943del on transcript NM_001365902.3 (MANE Select); coding-DNA positions 933 to 943, 11 bases deleted (GTGGCCCAACG).
Protein change: p.Trp312fs; shifts the reading frame from tryptophan 312.
Molecular consequence: frameshift variant.
Genome position (GRCh38, 1-based): chr19:13,075,649-13,075,659, GTGGCCCAACG deleted; deleting any 11 consecutive bases within chr19:13,075,648-13,075,659 gives the same sequence; the c. name uses the placement nearest the transcript's 3' end. VCF-style (leftmost placement, unchanged base first): chr19-13075647-GGGTGGCCCAAC-G. GRCh37 (hg19) VCF-style: chr19-13186461-GGGTGGCCCAAC-G.
Other names: c.957_967del, p.Trp320fs (NM_001271043.2); c.909_919del, p.Trp304fs (NM_001271044.3, NM_001378404.1); c.933_943del, p.Trp312fs (NM_001365982.2, NM_002501.4); c.792_802del, p.Trp265fs (NM_001365983.2); c.930_940del, p.Trp311fs (NM_001365984.2, NM_001365985.2); c.981_991del, p.Trp328fs (NM_001378405.1); short protein forms W265fs, W304fs, W311fs, W312fs, W320fs, W328fs.
Identifiers: ClinVar variation 692076 (VCV000692076.1), dbSNP rs1599848690, ClinGen allele CA915952490.